The following is an entry in ClinVar:

ClinVar aggregate classification (germline): Uncertain significance. Review status: criteria provided, multiple submitters, no conflicts (2 of 4 stars). 2 submissions from 2 submitters: Uncertain significance (2). Last evaluated 2025-05-13.

Conditions:
Atrioventricular septal defect 5 (AVSD5). Identifiers: MedGen C3280939, MONDO:0013769, OMIM 614474.

Allele frequency attached by ClinVar (database versions not stated): gnomAD exomes below 0.00001; gnomAD 0.00001; TOPMed 0.00001.

Submissions (2):

Labcorp Genetics (formerly Invitae), Labcorp
Classification: Uncertain significance for Atrioventricular septal defect 5. Last evaluated: 2025-05-13. Review status: criteria provided, single submitter. Criteria: Invitae Variant Classification Sherloc (09022015). Collection method: clinical testing. Allele origin: germline.
Comment: This sequence change replaces glycine, which is neutral and non-polar, with arginine, which is basic and polar, at codon 211 of the GATA6 protein (p.Gly211Arg). This variant is not present in population databases (gnomAD no frequency). This variant has not been reported in the literature in individuals affected with GATA6-related conditions. ClinVar contains an entry for this variant (Variation ID: 1422353). Invitae Evidence Modeling of protein sequence and biophysical properties (such as structural, functional, and spatial information, amino acid conservation, physicochemical variation, residue mobility, and thermodynamic stability) indicates that this missense variant is not expected to disrupt GATA6 protein function with a negative predictive value of 80%. In summary, the available evidence is currently insufficient to determine the role of this variant in disease. Therefore, it has been classified as a Variant of Uncertain Significance.

Blueprint Genetics
Classification: Uncertain significance. Last evaluated: 2023-08-04. Review status: criteria provided, single submitter. Criteria: ACMG Guidelines, 2015. Collection method: clinical testing. Allele origin: germline.

NM_005257.6(GATA6):c.631G>A (p.Gly211Arg)

Gene: GATA6 (GATA binding protein 6; plus strand). Cytogenetic location: 18q11.2.
Variant type: single nucleotide variant.
Coding change: c.631G>A on transcript NM_005257.6 (MANE Select); coding-DNA position 631, G replaced by A.
Protein change: p.Gly211Arg; replaces glycine 211 with arginine.
Molecular consequence: missense variant.
Genome position (GRCh38, 1-based): chr18:22,171,775, G>A. VCF-style: chr18-22171775-G-A. GRCh37 (hg19) VCF-style: chr18-19751736-G-A.
Other names: short protein forms G211R.
Identifiers: ClinVar variation 1422353 (VCV001422353.9), dbSNP rs1375177355, ClinGen allele CA401800250.